The following is an entry in ClinVar:

ClinVar aggregate classification (germline): Likely benign. Review status: criteria provided, single submitter (1 of 4 stars). 2 submissions from 2 submitters: Likely benign (1). 1 of the submissions does not count toward it. Last evaluated 2024-04-10.

Conditions:
Vici syndrome (VICIS). Identifiers: Orphanet 1493, MedGen C1855772, MONDO:0009452, OMIM 242840.
EPG5-related disorder. Also called: EPG5-related condition. Identifiers: MedGen CN381528.

Allele frequency attached by ClinVar (database versions not stated): gnomAD exomes 0.00003; ExAC 0.00005; ESP Exome Variant Server 0.00008; gnomAD 0.00011; TOPMed 0.00011; 1000 Genomes Project 0.00060; 1000 Genomes Project 30x 0.00062.
gnomAD v4.1: 25 of 1,613,878 alleles (0.0015%); highest among the groups gnomAD compares: African/African-American, 0.031%; no homozygotes.

Submissions (2):

Labcorp Genetics (formerly Invitae), Labcorp
Classification: Likely benign for Vici syndrome. Last evaluated: 2024-04-10. Review status: criteria provided, single submitter. Criteria: Invitae Variant Classification Sherloc (09022015). Collection method: clinical testing. Allele origin: germline.

PreventionGenetics, part of Exact Sciences
Classification: Likely benign for EPG5-related condition. Last evaluated: 2024-08-15. Review status: no assertion criteria provided. Collection method: clinical testing. Allele origin: germline. Not counted in ClinVar's aggregate classification.
Comment: This variant is classified as likely benign based on ACMG/AMP sequence variant interpretation guidelines (Richards et al. 2015 PMID: 25741868, with internal and published modifications).

NM_020964.3(EPG5):c.306C>T (p.Pro102=)

Gene: EPG5 (ectopic P-granules 5 autophagy tethering factor; minus strand). Cytogenetic location: 18q21.1.
Variant type: single nucleotide variant.
Coding change: c.306C>T on transcript NM_020964.3 (MANE Select); coding-DNA position 306, C replaced by T.
Protein change: p.Pro102=; no amino-acid change (proline 102 retained).
Molecular consequence: synonymous variant.
Genome position (GRCh38, 1-based): chr18:45,955,096, G>A on the plus strand (C>T on the coding strand, the complement: EPG5 is on the minus strand). VCF-style: chr18-45955096-G-A. GRCh37 (hg19) VCF-style: chr18-43535062-G-A.
Other names: c.306C>T (NM_020964.2).
Identifiers: ClinVar variation 1625729 (VCV001625729.11), dbSNP rs368868174, ClinGen allele CA8949975.
Genomic context (GRCh38, chr18:45,955,096, plus strand): 5'-GACCTTTGGAGTGACTGCACTGTCCCCCACACAGGGTCTGGCCTCTCCCCCTTCCTTTGG[G>A]GGCTCTGTGTTACACGTCAGGGACTCTTCATTGCTTATAGTTAAGGAGGTGAGTGGTACA-3'
Protein context (NP_066015.2, residues 92-112): NEESLTCNTE[Pro102=]PKEGGEARPC